The following is an entry in ClinVar:

ClinVar aggregate classification (germline): Uncertain significance. Review status: criteria provided, multiple submitters, no conflicts (2 of 4 stars). 2 submissions from 2 submitters: Uncertain significance (2). Last evaluated 2023-11-09.

Conditions:
Bardet-Biedl syndrome (BBS). Identifiers: Orphanet 110, MedGen C0752166, MONDO:0015229.

gnomAD v4.1: 10 of 1,613,348 alleles (0.00062%); highest among the groups gnomAD compares: Non-Finnish European, 0.00085%; no homozygotes.

Submissions (2):

Blueprint Genetics
Classification: Uncertain significance. Last evaluated: 2023-11-09. Review status: criteria provided, single submitter. Criteria: ACMG Guidelines, 2015. Collection method: clinical testing. Allele origin: germline.

Labcorp Genetics (formerly Invitae), Labcorp
Classification: Uncertain significance for Bardet-Biedl syndrome. Last evaluated: 2022-05-11. Review status: criteria provided, single submitter. Criteria: Invitae Variant Classification Sherloc (09022015). Collection method: clinical testing. Allele origin: germline.
Comment: In summary, the available evidence is currently insufficient to determine the role of this variant in disease. Therefore, it has been classified as a Variant of Uncertain Significance. Algorithms developed to predict the effect of missense changes on protein structure and function are either unavailable or do not agree on the potential impact of this missense change (SIFT: "Tolerated"; PolyPhen-2: "Possibly Damaging"; Align-GVGD: "Class C0"). This variant has not been reported in the literature in individuals affected with TTC8-related conditions. This variant is present in population databases (no rsID available, gnomAD 0.0009%). This sequence change replaces leucine, which is neutral and non-polar, with methionine, which is neutral and non-polar, at codon 471 of the TTC8 protein (p.Leu471Met).

NM_144596.4(TTC8):c.1441C>A (p.Leu481Met)

Gene: TTC8 (tetratricopeptide repeat domain 8; plus strand). Cytogenetic location: 14q31.3.
Variant type: single nucleotide variant.
Coding change: c.1441C>A on transcript NM_144596.4 (MANE Select); coding-DNA position 1441, C replaced by A.
Protein change: p.Leu481Met; replaces leucine 481 with methionine.
Molecular consequence: missense variant. On other transcripts: non-coding transcript variant (1).
Genome position (GRCh38, 1-based): chr14:88,877,303, C>A. VCF-style: chr14-88877303-C-A. GRCh37 (hg19) VCF-style: chr14-89343647-C-A.
Other names: c.1489C>A, p.Leu497Met (NM_001288781.1); c.847C>A, p.Leu283Met (NM_001288782.1); c.724C>A, p.Leu242Met (NM_001288783.1); c.1327C>A, p.Leu443Met (NM_001366535.2); c.1237C>A, p.Leu413Met (NM_001366536.2); c.1411C>A, p.Leu471Met (NM_198309.3); c.1321C>A, p.Leu441Met (NM_198310.3); short protein forms L471M, L481M, L283M, L413M, L443M, L242M, L441M, L497M.
Identifiers: ClinVar variation 2069023 (VCV002069023.4), dbSNP rs1054180368, ClinGen allele CA264575891.